The following is an entry in ClinVar:

NM_152296.5(ATP1A3):c.2754C>T (p.Val918=)

Gene: ATP1A3 (ATPase Na+/K+ transporting subunit alpha 3; minus strand). Cytogenetic location: 19q13.2.
Variant type: single nucleotide variant.
Coding change: c.2754C>T on transcript NM_152296.5 (MANE Select); coding-DNA position 2754, C replaced by T.
Protein change: p.Val918=; no amino-acid change (valine 918 retained).
Molecular consequence: synonymous variant.
Genome position (GRCh38, 1-based): chr19:41,968,850, G>A on the plus strand (C>T on the coding strand, the complement: ATP1A3 is on the minus strand). VCF-style: chr19-41968850-G-A. GRCh37 (hg19) VCF-style: chr19-42473002-G-A.
Other names: c.2787C>T, p.Val929= (NM_001256213.2); c.2793C>T, p.Val931= (NM_001256214.2).
Identifiers: ClinVar variation 1924333 (VCV001924333.11), dbSNP rs34183349, ClinGen allele CA9467291.

ClinVar aggregate classification (germline): Likely benign. Review status: criteria provided, multiple submitters, no conflicts (2 of 4 stars). 2 submissions from 2 submitters: Likely benign (2). Last evaluated 2025-11-01.

Conditions:
Dystonia 12 (DYT12). Also called: Rapid-Onset Dystonia-Parkinsonism (RDP); DYT-ATP1A3. Identifiers: Orphanet 71517, MedGen C1868681, MONDO:0007496, OMIM 128235.

Allele frequency attached by ClinVar (database versions not stated): gnomAD exomes 0.00001; ExAC 0.00002; gnomAD 0.00003; TOPMed 0.00003; 1000 Genomes Project 30x 0.00016; 1000 Genomes Project 0.00020.
gnomAD v4.1: 25 of 1,614,150 alleles (0.0015%); highest among the groups gnomAD compares: East Asian, 0.0045%; no homozygotes.

Submissions (2):

CeGaT Center for Human Genetics Tuebingen
Classification: Likely benign. Last evaluated: 2025-11-01. Review status: criteria provided, single submitter. Criteria: CeGaT Center For Human Genetics Tuebingen Variant Classification Criteria Version 2. Collection method: clinical testing. Allele origin: germline. Affected: yes. Observed: 1 variant allele.
Comment: ATP1A3: BP4, BP7

Labcorp Genetics (formerly Invitae), Labcorp
Classification: Likely benign for Dystonia 12. Last evaluated: 2025-08-11. Review status: criteria provided, single submitter. Criteria: Invitae Variant Classification Sherloc (09022015). Collection method: clinical testing. Allele origin: germline.